The following is an entry in ClinVar:

ClinVar aggregate classification (germline): Uncertain significance (1 of 4 stars; one submission).

Submission:

Labcorp Genetics (formerly Invitae), Labcorp
Classification: Uncertain significance. Last evaluated: 2022-09-28. Review status: criteria provided, single submitter. Criteria: Invitae Variant Classification Sherloc (09022015). Collection method: clinical testing. Allele origin: germline.
Comment: This variant has not been reported in the literature in individuals affected with SRCAP-related conditions. This variant is not present in population databases (gnomAD no frequency). This sequence change replaces valine, which is neutral and non-polar, with leucine, which is neutral and non-polar, at codon 1917 of the SRCAP protein (p.Val1917Leu). In summary, the available evidence is currently insufficient to determine the role of this variant in disease. Therefore, it has been classified as a Variant of Uncertain Significance. Advanced modeling of protein sequence and biophysical properties (such as structural, functional, and spatial information, amino acid conservation, physicochemical variation, residue mobility, and thermodynamic stability) performed at Invitae indicates that this missense variant is not expected to disrupt SRCAP protein function.

NM_006662.3(SRCAP):c.5749G>T (p.Val1917Leu)

Gene: SRCAP (Snf2 related CREBBP activator protein; plus strand). Cytogenetic location: 16p11.2.
Variant type: single nucleotide variant.
Coding change: c.5749G>T on transcript NM_006662.3 (MANE Select); coding-DNA position 5749, G replaced by T.
Protein change: p.Val1917Leu; replaces valine 1917 with leucine.
Molecular consequence: missense variant.
Genome position (GRCh38, 1-based): chr16:30,729,056, G>T. VCF-style: chr16-30729056-G-T. GRCh37 (hg19) VCF-style: chr16-30740377-G-T.
Other names: short protein forms V1917L.
Identifiers: ClinVar variation 1720595 (VCV001720595.5), dbSNP rs2506697330, ClinGen allele CA395621250.